The following is an entry in ClinVar:

NM_144701.3(IL23R):c.106G>A (p.Val36Ile)

Gene: IL23R (interleukin 23 receptor; plus strand). Cytogenetic location: 1p31.3.
Variant type: single nucleotide variant.
Coding change: c.106G>A on transcript NM_144701.3 (MANE Select); coding-DNA position 106, G replaced by A.
Protein change: p.Val36Ile; replaces valine 36 with isoleucine.
Molecular consequence: missense variant.
Genome position (GRCh38, 1-based): chr1:67,169,377, G>A. VCF-style: chr1-67169377-G-A. GRCh37 (hg19) VCF-style: chr1-67635060-G-A.
Other names: short protein forms V36I.
Identifiers: ClinVar variation 2813836 (VCV002813836.3), dbSNP rs2525202778, ClinGen allele CA340732169.

ClinVar aggregate classification (germline): Uncertain significance (1 of 4 stars; one submission).

Submission:

Labcorp Genetics (formerly Invitae), Labcorp
Classification: Uncertain significance. Last evaluated: 2022-12-06. Review status: criteria provided, single submitter. Criteria: Invitae Variant Classification Sherloc (09022015). Collection method: clinical testing. Allele origin: germline.
Comment: In summary, the available evidence is currently insufficient to determine the role of this variant in disease. Therefore, it has been classified as a Variant of Uncertain Significance. Algorithms developed to predict the effect of missense changes on protein structure and function are either unavailable or do not agree on the potential impact of this missense change (SIFT: "Deleterious"; PolyPhen-2: "Possibly Damaging"; Align-GVGD: "Class C0"). This variant has not been reported in the literature in individuals affected with IL23R-related conditions. This variant is not present in population databases (gnomAD no frequency). This sequence change replaces valine, which is neutral and non-polar, with isoleucine, which is neutral and non-polar, at codon 36 of the IL23R protein (p.Val36Ile).